The following is an entry in ClinVar:

NM_001365951.3(KIF1B):c.3786G>C (p.Glu1262Asp)

Gene: KIF1B (kinesin family member 1B; plus strand). Cytogenetic location: 1p36.22.
Variant type: single nucleotide variant.
Coding change: c.3786G>C on transcript NM_001365951.3 (MANE Select); coding-DNA position 3786, G replaced by C.
Protein change: p.Glu1262Asp; replaces glutamic acid 1262 with aspartic acid.
Molecular consequence: missense variant.
Genome position (GRCh38, 1-based): chr1:10,345,942, G>C. VCF-style: chr1-10345942-G-C. GRCh37 (hg19) VCF-style: chr1-10406000-G-C.
Other names: c.3786G>C, p.Glu1262Asp (NM_001365952.1); c.3648G>C, p.Glu1216Asp (NM_015074.3); short protein forms E1262D, E1216D.
Identifiers: ClinVar variation 2447974 (VCV002447974.2), dbSNP rs2521777581, ClinGen allele CA338342569.

ClinVar aggregate classification (germline): Uncertain significance (1 of 4 stars; one submission).

Allele frequency attached by ClinVar (database versions not stated): gnomAD exomes 0.00002.
gnomAD v4.1: 13 of 1,604,640 alleles (0.00081%); highest among the groups gnomAD compares: Non-Finnish European, 0.0011%; no homozygotes.

Submission:

Ambry Genetics
Classification: Uncertain significance. Last evaluated: 2022-12-07. Review status: criteria provided, single submitter. Criteria: Ambry Variant Classification Scheme 2023. Collection method: clinical testing. Allele origin: germline.
Comment: The p.E1216D variant (also known as c.3648G>C), located in coding exon 32 of the KIF1B gene, results from a G to C substitution at nucleotide position 3648. The glutamic acid at codon 1216 is replaced by aspartic acid, an amino acid with highly similar properties. This amino acid position is conserved. In addition, the in silico prediction for this alteration is inconclusive. Since supporting evidence is limited at this time, the clinical significance of this alteration remains unclear.